The following is an entry in ClinVar:

NM_001385012.1(NBEA):c.7765del (p.His2589fs)

Gene: NBEA (neurobeachin; plus strand). Cytogenetic location: 13q13.3.
Variant type: Deletion.
Coding change: c.7765del on transcript NM_001385012.1 (MANE Select); coding-DNA position 7765, one base deleted (C; older notation c.7765delC).
Protein change: p.His2589fs; shifts the reading frame from histidine 2589.
Molecular consequence: frameshift variant.
Genome position (GRCh38, 1-based): chr13:35,646,343, C deleted. VCF-style (leftmost placement, unchanged base first): chr13-35646342-GC-G. GRCh37 (hg19) VCF-style: chr13-36220479-GC-G.
Other names: c.1081del, p.His361fs (NM_001204197.3); c.7756del, p.His2586fs (NM_001379245.1); c.7702del, p.His2568fs (NM_015678.5); short protein forms H2568fs, H2586fs, H2589fs, H361fs.
Identifiers: ClinVar variation 4819138 (VCV004819138.1).

ClinVar aggregate classification (germline): Pathogenic (1 of 4 stars; one submission).

Conditions:
Neurodevelopmental disorder with or without early-onset generalized epilepsy. Identifiers: MedGen C5436914, MONDO:0030930, OMIM 619157.

Submission:

Institute of Human Genetics, University of Leipzig Medical Center
Classification: Pathogenic for Neurodevelopmental disorder with or without early-onset generalized epilepsy. Last evaluated: 2026-02-05. Review status: criteria provided, single submitter. Criteria: ACMG Guidelines, 2015. Collection method: clinical testing. Allele origin: unknown. Affected: yes.
Comment: Criteria applied: PVS1,PM2